The following is an entry in ClinVar:

NM_004525.3(LRP2):c.325T>C (p.Ser109Pro)

Gene: LRP2 (LDL receptor related protein 2; minus strand). Cytogenetic location: 2q31.1.
Variant type: single nucleotide variant.
Coding change: c.325T>C on transcript NM_004525.3 (MANE Select); coding-DNA position 325, T replaced by C.
Protein change: p.Ser109Pro; replaces serine 109 with proline.
Molecular consequence: missense variant.
Genome position (GRCh38, 1-based): chr2:169,307,383, A>G on the plus strand (T>C on the coding strand, the complement: LRP2 is on the minus strand). VCF-style: chr2-169307383-A-G. GRCh37 (hg19) VCF-style: chr2-170163893-A-G.
Other names: short protein forms S109P.
Identifiers: ClinVar variation 2000497 (VCV002000497.4), dbSNP rs2528617718, ClinGen allele CA349168753.

ClinVar aggregate classification (germline): Uncertain significance (1 of 4 stars; one submission).

Submission:

Labcorp Genetics (formerly Invitae), Labcorp
Classification: Uncertain significance. Last evaluated: 2022-11-08. Review status: criteria provided, single submitter. Criteria: Invitae Variant Classification Sherloc (09022015). Collection method: clinical testing. Allele origin: germline.
Comment: In summary, the available evidence is currently insufficient to determine the role of this variant in disease. Therefore, it has been classified as a Variant of Uncertain Significance. Advanced modeling of protein sequence and biophysical properties (such as structural, functional, and spatial information, amino acid conservation, physicochemical variation, residue mobility, and thermodynamic stability) performed at Invitae indicates that this missense variant is expected to disrupt LRP2 protein function. This variant has not been reported in the literature in individuals affected with LRP2-related conditions. This variant is not present in population databases (gnomAD no frequency). This sequence change replaces serine, which is neutral and polar, with proline, which is neutral and non-polar, at codon 109 of the LRP2 protein (p.Ser109Pro).